The following is an entry in ClinVar:

NM_001004334.4(GPR179):c.2474T>C (p.Val825Ala)

Gene: GPR179 (G protein-coupled receptor 179; minus strand). Cytogenetic location: 17q12.
Variant type: single nucleotide variant.
Coding change: c.2474T>C on transcript NM_001004334.4 (MANE Select); coding-DNA position 2474, T replaced by C.
Protein change: p.Val825Ala; replaces valine 825 with alanine.
Molecular consequence: missense variant.
Genome position (GRCh38, 1-based): chr17:38,331,095, A>G on the plus strand (T>C on the coding strand, the complement: GPR179 is on the minus strand). VCF-style: chr17-38331095-A-G. GRCh37 (hg19) VCF-style: chr17-36486978-A-G.
Other names: short protein forms V825A.
Identifiers: ClinVar variation 1976136 (VCV001976136.5), dbSNP rs1029848060, ClinGen allele CA290105796.

ClinVar aggregate classification (germline): Uncertain significance (1 of 4 stars; one submission).

Allele frequency attached by ClinVar (database versions not stated): gnomAD exomes below 0.00001; TOPMed 0.00001.

Submission:

Labcorp Genetics (formerly Invitae), Labcorp
Classification: Uncertain significance. Last evaluated: 2022-08-22. Review status: criteria provided, single submitter. Criteria: Invitae Variant Classification Sherloc (09022015). Collection method: clinical testing. Allele origin: germline.
Comment: This sequence change replaces valine, which is neutral and non-polar, with alanine, which is neutral and non-polar, at codon 825 of the GPR179 protein (p.Val825Ala). This variant is not present in population databases (gnomAD no frequency). This variant has not been reported in the literature in individuals affected with GPR179-related conditions. Algorithms developed to predict the effect of missense changes on protein structure and function are either unavailable or do not agree on the potential impact of this missense change (SIFT: "Deleterious"; PolyPhen-2: "Benign"; Align-GVGD: "Class C0"). In summary, the available evidence is currently insufficient to determine the role of this variant in disease. Therefore, it has been classified as a Variant of Uncertain Significance.